The following is an entry in ClinVar:

ClinVar aggregate classification (germline): Uncertain significance (1 of 4 stars; one submission).

gnomAD v4.1: 25 of 1,613,984 alleles (0.0015%); highest among the groups gnomAD compares: African/African-American, 0.032%; no homozygotes.

Submission:

Mayo Clinic Laboratories, Mayo Clinic
Classification: Uncertain significance. Last evaluated: 2023-05-24. Review status: criteria provided, single submitter. Criteria: ACMG Guidelines, 2015. Collection method: clinical testing. Allele origin: germline. Observed: 1 variant allele.
Comment: PM2

NM_005689.4(ABCB6):c.1979C>A (p.Ala660Asp)

Gene: ABCB6 (ATP binding cassette subfamily B member 6 (LAN blood group); minus strand). Cytogenetic location: 2q35.
Variant type: single nucleotide variant.
Coding change: c.1979C>A on transcript NM_005689.4 (MANE Select); coding-DNA position 1979, C replaced by A.
Protein change: p.Ala660Asp; replaces alanine 660 with aspartic acid.
Molecular consequence: missense variant.
Genome position (GRCh38, 1-based): chr2:219,211,098, G>T on the plus strand (C>A on the coding strand, the complement: ABCB6 is on the minus strand). VCF-style: chr2-219211098-G-T. GRCh37 (hg19) VCF-style: chr2-220075820-G-T.
Other names: p.Ala660Asp; c.1841C>A, p.Ala614Asp (NM_001349828.2); short protein forms A614D, A660D.
Identifiers: ClinVar variation 2682811 (VCV002682811.1), dbSNP rs140239756, ClinGen allele CA2119108.